The following is an entry in ClinVar:

NM_001267550.2(TTN):c.77907_77908del (p.Asn25969fs)

Genes: TTN-AS1 (TTN antisense RNA 1; plus strand), TTN (titin; minus strand). Cytogenetic location: 2q31.2.
Variant type: Deletion.
Coding change: c.77907_77908del on transcript NM_001267550.2 (MANE Select); coding-DNA positions 77907 to 77908, 2 bases deleted (CA; older notation c.77907_77908delCA).
Protein change: p.Asn25969fs; shifts the reading frame from asparagine 25969.
Molecular consequence: frameshift variant.
Genome position (GRCh38, 1-based): chr2:178,568,224-178,568,225, TG deleted on the plus strand (CA on the coding strand, the reverse complement: TTN is on the minus strand); deleting any 2 consecutive bases within chr2:178,568,224-178,568,226 gives the same sequence; the c. name uses the placement nearest the transcript's 3' end. VCF-style (leftmost placement, unchanged base first): chr2-178568223-CTG-C. GRCh37 (hg19) VCF-style: chr2-179432950-CTG-C.
Other names: c.72984_72985del, p.Asn24328fs (NM_001256850.1); c.50712_50713del, p.Asn16904fs (NM_003319.4); c.70203_70204del, p.Asn23401fs (NM_133378.4); c.51087_51088del, p.Asn17029fs (NM_133432.3); c.51288_51289del, p.Asn17096fs (NM_133437.4); short protein forms N16904fs, N17096fs, N23401fs, N25969fs, N17029fs, N24328fs.
Identifiers: ClinVar variation 1469958 (VCV001469958.6), dbSNP rs2154166826, ClinGen allele CA2573133022.

ClinVar aggregate classification (germline): Likely pathogenic (1 of 4 stars; one submission).

Conditions:
Dilated cardiomyopathy 1G (CMD1G). Identifiers: Orphanet 154, MedGen C1858763, MONDO:0011400, OMIM 604145.
Autosomal recessive limb-girdle muscular dystrophy type 2J (LGMDR10). Also called: Limb-girdle muscular dystrophy, type 2J; MUSCULAR DYSTROPHY, LIMB-GIRDLE, AUTOSOMAL RECESSIVE 10. Identifiers: Orphanet 140922, MedGen C1837342, MONDO:0012127, OMIM 608807.

Submission:

Labcorp Genetics (formerly Invitae), Labcorp
Classification: Likely pathogenic for Dilated cardiomyopathy 1G; Autosomal recessive limb-girdle muscular dystrophy type 2J. Last evaluated: 2021-09-17. Review status: criteria provided, single submitter. Criteria: Invitae Variant Classification Sherloc (09022015). Collection method: clinical testing. Allele origin: germline.
Comment: This sequence change creates a premature translational stop signal (p.Asn25969Lysfs*11) in the TTN gene. While this is not anticipated to result in nonsense mediated decay, it is expected to create a truncated TTN protein. This variant is not present in population databases (ExAC no frequency). This variant has not been reported in the literature in individuals affected with TTN-related conditions. This variant is located in the A band of TTN (PMID: 25589632). Truncating variants in this region are significantly overrepresented in patients affected with dilated cardiomyopathy (PMID: 25589632). Truncating variants in this region have also been reported in individuals affected with autosomal recessive centronuclear myopathy (PMID: 23975875). In summary, the currently available evidence indicates that the variant is pathogenic, but additional data are needed to prove that conclusively. Therefore, this variant has been classified as Likely Pathogenic.

Literature cited by the submitters: PubMed 25589632; PubMed 23975875.